The following is an entry in ClinVar:

ClinVar aggregate classification (germline): Uncertain significance (1 of 4 stars; one submission).

Submission:

Mayo Clinic Laboratories, Mayo Clinic
Classification: Uncertain significance. Last evaluated: 2024-02-27. Review status: criteria provided, single submitter. Criteria: ACMG Guidelines, 2015. Collection method: clinical testing. Allele origin: germline. Observed: 1 variant allele.
Comment: BP4, PM2

NM_018060.4(IARS2):c.2222A>G (p.Asn741Ser)

Gene: IARS2 (isoleucyl-tRNA synthetase 2, mitochondrial; plus strand). Cytogenetic location: 1q41.
Variant type: single nucleotide variant.
Coding change: c.2222A>G on transcript NM_018060.4 (MANE Select); coding-DNA position 2222, A replaced by G.
Protein change: p.Asn741Ser; replaces asparagine 741 with serine.
Molecular consequence: missense variant.
Genome position (GRCh38, 1-based): chr1:220,139,054, A>G. VCF-style: chr1-220139054-A-G. GRCh37 (hg19) VCF-style: chr1-220312396-A-G.
Other names: p.Asn741Ser; short protein forms N741S.
Identifiers: ClinVar variation 3380641 (VCV003380641.1).